The following is an entry in ClinVar:

ClinVar aggregate classification (germline): Pathogenic. Review status: criteria provided, multiple submitters, no conflicts (2 of 4 stars). 4 submissions from 4 submitters: Pathogenic (3). 1 of the submissions does not count toward it. Last evaluated 2023-10-05.

Conditions:
Joubert syndrome 21 (JBTS21). Identifiers: MedGen C3810212, MONDO:0014288, OMIM 615636.

Allele frequency attached by ClinVar (database versions not stated): ExAC 0.00002; gnomAD exomes 0.00003 and 0.00005; TOPMed 0.00003; gnomAD 0.00004; ESP Exome Variant Server 0.00025.

Submissions (4):

Labcorp Genetics (formerly Invitae), Labcorp
Classification: Pathogenic for Joubert syndrome 21. Last evaluated: 2023-10-05. Review status: criteria provided, single submitter. Criteria: Invitae Variant Classification Sherloc (09022015). Collection method: clinical testing. Allele origin: germline.
Comment: This sequence change creates a premature translational stop signal (p.Arg220*) in the CSPP1 gene. It is expected to result in an absent or disrupted protein product. Loss-of-function variants in CSPP1 are known to be pathogenic (PMID: 24360807, 24360808). This variant is present in population databases (rs375113643, gnomAD 0.04%). This premature translational stop signal has been observed in individual(s) with Joubert syndrome (PMID: 24360808). ClinVar contains an entry for this variant (Variation ID: 100672). For these reasons, this variant has been classified as Pathogenic.

Revvity Omics, Revvity
Classification: Pathogenic for Joubert syndrome 21. Last evaluated: 2020-09-24. Review status: criteria provided, single submitter. Criteria: ACMG Guidelines, 2015. Collection method: clinical testing. Allele origin: germline.

UW Hindbrain Malformation Research Program, University of Washington
Classification: Pathogenic for Joubert syndrome 21. Last evaluated: 2015-02-23. Review status: criteria provided, single submitter. Criteria: Bachmann-Gagescu et al. (J Med Genet. 2015). Collection method: research. Allele origin: unknown. Affected: yes.

OMIM
Classification: Pathogenic for JOUBERT SYNDROME 21. Last evaluated: 2014-01-02. Review status: no assertion criteria provided. Collection method: literature only. Allele origin: germline. Not counted in ClinVar's aggregate classification.

Literature cited by the submitters: PubMed 24360807 (cited by Labcorp Genetics (formerly Invitae), Labcorp); PubMed 24360808 (cited by Labcorp Genetics (formerly Invitae), Labcorp and OMIM).

NM_001382391.1(CSPP1):c.631C>T (p.Arg211Ter)

Gene: CSPP1 (centrosome and spindle pole associated protein 1; plus strand). Cytogenetic location: 8q13.1.
Variant type: single nucleotide variant.
Coding change: c.631C>T on transcript NM_001382391.1 (MANE Select); coding-DNA position 631, C replaced by T.
Protein change: p.Arg211Ter; replaces arginine 211 with a stop codon.
Molecular consequence: nonsense. On other transcripts: 5 prime UTR variant (1).
Genome position (GRCh38, 1-based): chr8:67,095,440, C>T. VCF-style: chr8-67095440-C-T. GRCh37 (hg19) VCF-style: chr8-68007675-C-T.
Other names: c.-225C>T (NM_001291339.2); c.550C>T, p.Arg184Ter (NM_001363131.2, NM_001363133.2); c.631C>T, p.Arg211Ter (NM_001363132.2); c.739C>T, p.Arg247Ter (NM_001364869.1); c.658C>T, p.Arg220Ter (NM_001364870.1, NM_024790.7); short protein forms R220*, R247*, R184*, R211*.
Identifiers: ClinVar variation 100672 (VCV000100672.12), dbSNP rs375113643, ClinGen allele CA150612.